The following is an entry in ClinVar:

NM_003640.5(ELP1):c.-301C>G

Gene: ELP1 (elongator acetyltransferase complex subunit 1; minus strand). Cytogenetic location: 9q31.3.
Variant type: single nucleotide variant.
Coding change: c.-301C>G on transcript NM_003640.5 (MANE Select); 301 bases upstream of the start codon, C replaced by G.
Molecular consequence: 5 prime UTR variant.
Genome position (GRCh38, 1-based): chr9:108,934,109, G>C on the plus strand (C>G on the coding strand, the complement: ELP1 is on the minus strand). VCF-style: chr9-108934109-G-C. GRCh37 (hg19) VCF-style: chr9-111696389-G-C.
Other names: c.-498C>G (NM_001318360.2); c.-1160C>G (NM_001330749.2); c.-301C>G (LRG_251t1).
Identifiers: ClinVar variation 364592 (VCV000364592.8), dbSNP rs2275641, ClinGen allele CA10632043.

ClinVar aggregate classification (germline): Benign. Review status: criteria provided, multiple submitters, no conflicts (2 of 4 stars). 4 submissions from 4 submitters: Benign (3). 1 of the submissions does not count toward it. Last evaluated 2018-06-20.

Conditions:
Familial dysautonomia. Also called: HSAN III; FD. Identifiers: Orphanet 1764, MedGen C0013364, MONDO:0009131, OMIM 223900. Disease mechanism: loss of function.

Allele frequency attached by ClinVar (database versions not stated): gnomAD exomes 0.38194; 1000 Genomes Project 0.35204; 1000 Genomes Project 30x 0.35462; gnomAD 0.35638; TOPMed 0.36127.
gnomAD v4.1: 77,047 of 212,228 alleles (36%); highest among the groups gnomAD compares: Admixed American, 45%; 14,594 homozygotes.

Submissions (4):

GeneDx
Classification: Benign. Last evaluated: 2018-06-20. Review status: criteria provided, single submitter. Criteria: GeneDx Variant Classification (06012015). Collection method: clinical testing. Allele origin: germline. Affected: yes.
Comment: This variant is considered likely benign or benign based on one or more of the following criteria: it is a conservative change, it occurs at a poorly conserved position in the protein, it is predicted to be benign by multiple in silico algorithms, and/or has population frequency not consistent with disease.

Illumina Laboratory Services, Illumina
Classification: Benign for Familial dysautonomia. Last evaluated: 2018-01-13. Review status: criteria provided, single submitter. Criteria: ICSL Variant Classification Criteria 13 December 2019. Collection method: clinical testing. Allele origin: germline.
Comment: This variant was observed in the ICSL laboratory as part of a predisposition screen in an ostensibly healthy population. It had not been previously curated by ICSL or reported in the Human Gene Mutation Database (HGMD: prior to June 1st, 2018), and was therefore a candidate for classification through an automated scoring system. Utilizing variant allele frequency, disease prevalence and penetrance estimates, and inheritance mode, an automated score was calculated to assess if this variant is too frequent to cause the disease. Based on the score and internal cut-off values, a variant classified as benign is not then subjected to further curation. The score for this variant resulted in a classification of benign for this disease.

Breakthrough Genomics
Classification: Benign. Review status: criteria provided, single submitter. Criteria: ACMG Guidelines, 2015. Collection method: not provided. Allele origin: germline. Inheritance: Autosomal recessive inheritance. Affected: yes.

Natera, Inc.
Classification: Benign for Dysautonomia, familial. Last evaluated: 2019-05-20. Review status: no assertion criteria provided. Collection method: clinical testing. Allele origin: germline. Not counted in ClinVar's aggregate classification.